The following is an entry in ClinVar:

ClinVar aggregate classification (germline): Pathogenic/Likely pathogenic. Review status: criteria provided, multiple submitters, no conflicts (2 of 4 stars). 4 submissions from 4 submitters: Pathogenic (2); Likely pathogenic (2). Last evaluated 2025-09-04.

Conditions:
Usher syndrome type 1 (USH1). Also called: RETINITIS PIGMENTOSA AND CONGENITAL DEAFNESS. Identifiers: Orphanet 231169, Orphanet 886, MedGen C1568247, MONDO:0010168, OMIM 276900.
CDH23-related disorder. Also called: CDH23-related disorders; CDH23-related condition.
Usher syndrome. Also called: Usher's syndrome; Usher Syndromes. Identifiers: Orphanet 886, MedGen CN469326, MeSH D052245, MONDO:0019501. Disease mechanism: loss of function.

Allele frequency attached by ClinVar (database versions not stated): gnomAD 0.00001; TOPMed 0.00001.
gnomAD v4.1: 2 of 1,562,388 alleles (0.00013%); highest among the groups gnomAD compares: Non-Finnish European, 0.00018%; no homozygotes.

Submissions (4):

Women's Health and Genetics/Laboratory Corporation of America, LabCorp
Classification: Pathogenic for Usher syndrome. Last evaluated: 2025-09-04. Review status: criteria provided, single submitter. Criteria: LabCorp Variant Classification Summary - May 2015. Collection method: clinical testing. Allele origin: germline.
Comment: Variant summary: CDH23 c.5826T>G (p.Tyr1942X) results in a premature termination codon, predicted to cause a truncation of the encoded protein or absence of the protein due to nonsense mediated decay, which are commonly known mechanisms for disease. The variant was absent in 249210 control chromosomes. To our knowledge, no occurrence of c.5826T>G in individuals affected with CDH23-related conditions and no experimental evidence demonstrating its impact on protein function have been reported. ClinVar contains an entry for this variant (Variation ID: 848701). Based on the evidence outlined above, the variant was classified as pathogenic.

Labcorp Genetics (formerly Invitae), Labcorp
Classification: Pathogenic. Last evaluated: 2025-01-13. Review status: criteria provided, single submitter. Criteria: Invitae Variant Classification Sherloc (09022015). Collection method: clinical testing. Allele origin: germline.
Comment: This sequence change creates a premature translational stop signal (p.Tyr1942*) in the CDH23 gene. It is expected to result in an absent or disrupted protein product. Loss-of-function variants in CDH23 are known to be pathogenic (PMID: 11138009, 21940737). This variant is not present in population databases (gnomAD no frequency). This variant has not been reported in the literature in individuals affected with CDH23-related conditions. ClinVar contains an entry for this variant (Variation ID: 848701). For these reasons, this variant has been classified as Pathogenic.

Natera, Inc.
Classification: Likely pathogenic for Usher syndrome type 1. Last evaluated: 2024-10-21. Review status: criteria provided, single submitter. Criteria: Natera Variant Classification Schema (03/2026). Collection method: clinical testing. Allele origin: germline.
Comment: The c.5826T>G variant in CDH23 is a nonsense variant predicted to introduce a stop codon at amino acid 1942. This variant is expected to result in nonsense mediated decay, truncation, or a dysfunctional protein product. This variant is rare in the general population with a frequency below the threshold expected for the associated phenotype(s). Given the available evidence, this variant is classified as Likely Pathogenic.

Blueprint Genetics
Classification: Likely pathogenic for CDH23-related disorders. Last evaluated: 2019-09-10. Review status: criteria provided, single submitter. Criteria: ACMG Guidelines, 2015. Collection method: clinical testing. Allele origin: germline. Affected: yes. Observed: 2 variant alleles.

Literature cited by the submitters: PubMed 11138009 (cited by Labcorp Genetics (formerly Invitae), Labcorp); PubMed 21940737 (cited by Labcorp Genetics (formerly Invitae), Labcorp).

NM_022124.6(CDH23):c.5826T>G (p.Tyr1942Ter)

Gene: CDH23 (cadherin related 23; plus strand). Cytogenetic location: 10q22.1.
Variant type: single nucleotide variant.
Coding change: c.5826T>G on transcript NM_022124.6 (MANE Select); coding-DNA position 5826, T replaced by G.
Protein change: p.Tyr1942Ter; replaces tyrosine 1942 with a stop codon.
Molecular consequence: nonsense.
Genome position (GRCh38, 1-based): chr10:71,788,945, T>G. VCF-style: chr10-71788945-T-G. GRCh37 (hg19) VCF-style: chr10-73548702-T-G.
Other names: short protein forms Y1942*.
Identifiers: ClinVar variation 848701 (VCV000848701.10), dbSNP rs1346156899, ClinGen allele CA377149165.